The following is an entry in ClinVar:

NM_032608.7(MYO18B):c.4390C>T (p.Arg1464Trp)

Genes: MYO18B (myosin XVIIIB; plus strand), MYO18B-AS1 (MYO18B antisense RNA 1; minus strand). Cytogenetic location: 22q12.1.
Variant type: single nucleotide variant.
Coding change: c.4390C>T on transcript NM_032608.7 (MANE Select); coding-DNA position 4390, C replaced by T.
Protein change: p.Arg1464Trp; replaces arginine 1464 with tryptophan.
Molecular consequence: missense variant.
Genome position (GRCh38, 1-based): chr22:25,890,831, C>T. VCF-style: chr22-25890831-C-T. GRCh37 (hg19) VCF-style: chr22-26286798-C-T.
Other names: c.4390C>T (NM_032608.5); c.4393C>T, p.Arg1465Trp (NM_001318245.2); short protein forms R1464W, R1465W.
Identifiers: ClinVar variation 1163668 (VCV001163668.12), dbSNP rs372963298, ClinGen allele CA10160865.

ClinVar aggregate classification (germline): Uncertain significance. Review status: criteria provided, multiple submitters, no conflicts (2 of 4 stars). 4 submissions from 4 submitters: Uncertain significance (4). Last evaluated 2025-08-02.

Conditions:
Klippel-Feil anomaly-myopathy-facial dysmorphism syndrome. Also called: Klippel-feil syndrome 4, autosomal recessive, with nemaline myopathy and facial dysmorphism; Klippel-Feil syndrome 4, autosomal recessive, with myopathy and facial dysmorphism. Identifiers: Orphanet 447974, MedGen C4225285, MONDO:0014689, OMIM 616549.
Inborn genetic diseases. Identifiers: MedGen C0950123, MeSH D030342.

Allele frequency attached by ClinVar (database versions not stated): TOPMed 0.00022; ESP Exome Variant Server 0.00008; gnomAD 0.00016; ExAC 0.00017; gnomAD exomes 0.00019.
gnomAD v4.1: 130 of 1,613,850 alleles (0.0081%); highest among the groups gnomAD compares: Admixed American, 0.078%; 3 homozygotes.

Submissions (4):

Ambry Genetics
Classification: Uncertain significance for Inborn genetic diseases. Last evaluated: 2025-08-02. Review status: criteria provided, single submitter. Criteria: Ambry Variant Classification Scheme 2023. Collection method: clinical testing. Allele origin: germline.

Labcorp Genetics (formerly Invitae), Labcorp
Classification: Uncertain significance. Last evaluated: 2022-08-19. Review status: criteria provided, single submitter. Criteria: Invitae Variant Classification Sherloc (09022015). Collection method: clinical testing. Allele origin: germline.
Comment: This sequence change replaces arginine, which is basic and polar, with tryptophan, which is neutral and slightly polar, at codon 1464 of the MYO18B protein (p.Arg1464Trp). This variant is present in population databases (rs372963298, gnomAD 0.07%), including at least one homozygous and/or hemizygous individual. This variant has not been reported in the literature in individuals affected with MYO18B-related conditions. ClinVar contains an entry for this variant (Variation ID: 1163668). Algorithms developed to predict the effect of missense changes on protein structure and function are either unavailable or do not agree on the potential impact of this missense change (SIFT: "Not Available"; PolyPhen-2: "Benign"; Align-GVGD: "Not Available"). In summary, the available evidence is currently insufficient to determine the role of this variant in disease. Therefore, it has been classified as a Variant of Uncertain Significance.

Revvity Omics, Revvity
Classification: Uncertain significance for Klippel-Feil anomaly-myopathy-facial dysmorphism syndrome. Last evaluated: 2021-11-11. Review status: criteria provided, single submitter. Criteria: ACMG Guidelines, 2015. Collection method: clinical testing. Allele origin: germline.

Mayo Clinic Laboratories, Mayo Clinic
Classification: Uncertain significance. Last evaluated: 2019-04-15. Review status: criteria provided, single submitter. Criteria: ACMG Guidelines, 2015. Collection method: clinical testing. Allele origin: germline. Observed: 1 variant allele.